The following is an entry in ClinVar:

ClinVar aggregate classification (germline): Uncertain significance (1 of 4 stars; one submission).

Conditions:
Werner syndrome (WRN). Identifiers: Orphanet 902, MedGen C0043119, MONDO:0010196, OMIM 277700.

Submission:

Labcorp Genetics (formerly Invitae), Labcorp
Classification: Uncertain significance for Werner syndrome. Last evaluated: 2019-09-08. Review status: criteria provided, single submitter. Criteria: Invitae Variant Classification Sherloc (09022015). Collection method: clinical testing. Allele origin: germline.
Comment: In summary, the available evidence is currently insufficient to determine the role of this variant in disease. Therefore, it has been classified as a Variant of Uncertain Significance. Algorithms developed to predict the effect of missense changes on protein structure and function (SIFT, PolyPhen-2, Align-GVGD) all suggest that this variant is likely to be tolerated, but these predictions have not been confirmed by published functional studies and their clinical significance is uncertain. This variant has not been reported in the literature in individuals with WRN-related conditions. This variant is not present in population databases (ExAC no frequency). This sequence change replaces isoleucine with phenylalanine at codon 417 of the WRN protein (p.Ile417Phe). The isoleucine residue is weakly conserved and there is a small physicochemical difference between isoleucine and phenylalanine.

NM_000553.6(WRN):c.1249A>T (p.Ile417Phe)

Gene: WRN (WRN RecQ like helicase; plus strand). Cytogenetic location: 8p12.
Variant type: single nucleotide variant.
Coding change: c.1249A>T on transcript NM_000553.6 (MANE Select); coding-DNA position 1249, A replaced by T.
Protein change: p.Ile417Phe; replaces isoleucine 417 with phenylalanine.
Molecular consequence: missense variant.
Genome position (GRCh38, 1-based): chr8:31,081,276, A>T. VCF-style: chr8-31081276-A-T. GRCh37 (hg19) VCF-style: chr8-30938792-A-T.
Other names: short protein forms I417F.
Identifiers: ClinVar variation 941866 (VCV000941866.5), dbSNP rs1317121391, ClinGen allele CA370921485.
Genomic context (GRCh38, chr8:31,081,276, plus strand): 5'-ATTACAGAACATGAACTCCAAATTTTGGAACAGCAGTCTCAGGAAGAATATCTTAGTGAT[A>T]TTGCTTATAAATCTACTGAGGTACTAAATAAAGAGGAAGCACATTTTTAGTTATTAGTAG-3'
Protein context (NP_000544.2, residues 407-427): QQSQEEYLSD[Ile417Phe]AYKSTEHLSP